The following is an entry in ClinVar:

ClinVar aggregate classification (germline): Uncertain significance. Review status: criteria provided, multiple submitters, no conflicts (2 of 4 stars). 4 submissions from 4 submitters: Uncertain significance (4). Last evaluated 2025-02-21.

Conditions:
Liddle syndrome 1 (LIDLS1). Also called: PSEUDOALDOSTERONISM. Identifiers: Orphanet 526, MedGen CN031472, MONDO:0020607, OMIM 177200.
Bronchiectasis with or without elevated sweat chloride 1 (BESC1). Also called: Cystic Fibrosis-Like Syndrome. Identifiers: Orphanet 60033, MedGen C2749757, MONDO:0008887, OMIM 211400.
Pseudohypoaldosteronism, type IB2, autosomal recessive (PHA1B2). Identifiers: MedGen C5774255, MONDO:0859317, OMIM 620125.
Inborn genetic diseases. Identifiers: MedGen C0950123, MeSH D030342.

Allele frequency attached by ClinVar (database versions not stated): TOPMed 0.00015; 1000 Genomes Project 30x 0.00016; 1000 Genomes Project 0.00020.
gnomAD v4.1: 106 of 1,614,024 alleles (0.0066%); highest among the groups gnomAD compares: African/African-American, 0.023%; no homozygotes.

Submissions (4):

Ambry Genetics
Classification: Uncertain significance for Inborn genetic diseases. Last evaluated: 2025-02-21. Review status: criteria provided, single submitter. Criteria: Ambry Variant Classification Scheme 2023. Collection method: clinical testing. Allele origin: germline.

Fulgent Genetics
Classification: Uncertain significance for Liddle syndrome 1; Bronchiectasis with or without elevated sweat chloride 1; Pseudohypoaldosteronism, type IB2, autosomal recessive. Last evaluated: 2024-04-08. Review status: criteria provided, single submitter. Criteria: ACMG Guidelines, 2015. Collection method: clinical testing. Allele origin: germline.

Labcorp Genetics (formerly Invitae), Labcorp
Classification: Uncertain significance. Last evaluated: 2023-02-04. Review status: criteria provided, single submitter. Criteria: Invitae Variant Classification Sherloc (09022015). Collection method: clinical testing. Allele origin: germline.
Comment: In summary, the available evidence is currently insufficient to determine the role of this variant in disease. Therefore, it has been classified as a Variant of Uncertain Significance. Advanced modeling of protein sequence and biophysical properties (such as structural, functional, and spatial information, amino acid conservation, physicochemical variation, residue mobility, and thermodynamic stability) performed at Invitae indicates that this missense variant is not expected to disrupt SCNN1B protein function. ClinVar contains an entry for this variant (Variation ID: 1304353). This variant has not been reported in the literature in individuals affected with SCNN1B-related conditions. This variant is present in population databases (rs200401219, gnomAD 0.02%). This sequence change replaces arginine, which is basic and polar, with cysteine, which is neutral and slightly polar, at codon 410 of the SCNN1B protein (p.Arg410Cys).

GeneDx
Classification: Uncertain significance. Last evaluated: 2020-03-06. Review status: criteria provided, single submitter. Criteria: GeneDx Variant Classification Process June 2021. Collection method: clinical testing. Allele origin: germline. Affected: yes.
Comment: In silico analysis supports that this missense variant does not alter protein structure/function; Has not been previously published as pathogenic or benign to our knowledge

NM_000336.3(SCNN1B):c.1228C>T (p.Arg410Cys)

Gene: SCNN1B (sodium channel epithelial 1 subunit beta; plus strand). Cytogenetic location: 16p12.2.
Variant type: single nucleotide variant.
Coding change: c.1228C>T on transcript NM_000336.3 (MANE Select); coding-DNA position 1228, C replaced by T.
Protein change: p.Arg410Cys; replaces arginine 410 with cysteine.
Molecular consequence: missense variant.
Genome position (GRCh38, 1-based): chr16:23,375,813, C>T. VCF-style: chr16-23375813-C-T. GRCh37 (hg19) VCF-style: chr16-23387134-C-T.
Other names: short protein forms R410C.
Identifiers: ClinVar variation 1304353 (VCV001304353.8), dbSNP rs200401219, ClinGen allele CA7960403.